The following is an entry in ClinVar:

ClinVar aggregate classification (germline): Uncertain significance (1 of 4 stars; one submission).

Conditions:
Hereditary cancer-predisposing syndrome. Also called: Hereditary Cancer Syndrome; Hereditary neoplastic syndrome; Tumor predisposition; Neoplastic Syndromes, Hereditary. Identifiers: Orphanet 140162, MedGen C0027672, MeSH D009386, MONDO:0015356.

Submission:

Ambry Genetics
Classification: Uncertain significance for Hereditary cancer-predisposing syndrome. Last evaluated: 2023-08-01. Review status: criteria provided, single submitter. Criteria: Ambry Variant Classification Scheme 2023. Collection method: clinical testing. Allele origin: germline.
Comment: The p.L83M variant (also known as c.247C>A), located in coding exon 1 of the MEN1 gene, results from a C to A substitution at nucleotide position 247. The leucine at codon 83 is replaced by methionine, an amino acid with highly similar properties. This amino acid position is highly conserved in available vertebrate species. In addition, this alteration is predicted to be deleterious by in silico analysis. Since supporting evidence is limited at this time, the clinical significance of this alteration remains unclear.

NM_001370259.2(MEN1):c.247C>A (p.Leu83Met)

Gene: MEN1 (menin 1; minus strand). Cytogenetic location: 11q13.1.
Variant type: single nucleotide variant.
Coding change: c.247C>A on transcript NM_001370259.2 (MANE Select); coding-DNA position 247, C replaced by A.
Protein change: p.Leu83Met; replaces leucine 83 with methionine.
Molecular consequence: missense variant.
Genome position (GRCh38, 1-based): chr11:64,809,863, G>T on the plus strand (C>A on the coding strand, the complement: MEN1 is on the minus strand). VCF-style: chr11-64809863-G-T. GRCh37 (hg19) VCF-style: chr11-64577335-G-T.
Other names: c.247C>A, p.Leu83Met (NM_000244.4, NM_001370251.2, NM_001370260.2 and 20 more transcripts); short protein forms L83M.
Identifiers: ClinVar variation 1791885 (VCV001791885.3), dbSNP rs1377924195, ClinGen allele CA381187563.